The following is an entry in ClinVar:

NM_001267550.2(TTN):c.48379_48382del (p.Phe16127fs)

Genes: TTN-AS1 (TTN antisense RNA 1; plus strand), TTN (titin; minus strand). Cytogenetic location: 2q31.2.
Variant type: Deletion.
Coding change: c.48379_48382del on transcript NM_001267550.2 (MANE Select); coding-DNA positions 48379 to 48382, 4 bases deleted (TTTA; older notation c.48379_48382delTTTA).
Protein change: p.Phe16127fs; shifts the reading frame from phenylalanine 16127.
Molecular consequence: frameshift variant.
Genome position (GRCh38, 1-based): chr2:178,615,719-178,615,722, TAAA deleted on the plus strand (TTTA on the coding strand, the reverse complement: TTN is on the minus strand); deleting any 4 consecutive bases within chr2:178,615,719-178,615,725 gives the same sequence; the c. name uses the placement nearest the transcript's 3' end. VCF-style (leftmost placement, unchanged base first): chr2-178615718-TTAAA-T. GRCh37 (hg19) VCF-style: chr2-179480445-TTAAA-T.
Other names: c.43456_43459del, p.Phe14486fs (NM_001256850.1); c.21184_21187del, p.Phe7062fs (NM_003319.4); c.40675_40678del, p.Phe13559fs (NM_133378.4); c.21559_21562del, p.Phe7187fs (NM_133432.3); c.21760_21763del, p.Phe7254fs (NM_133437.4); c.43456_43459delTTTA (NM_001256850.1); short protein forms F14486fs, F7254fs, F13559fs, F16127fs, F7187fs, F7062fs.
Identifiers: ClinVar variation 423289 (VCV000423289.6), dbSNP rs1064796347, ClinGen allele CA16617374.

ClinVar aggregate classification (germline): Pathogenic/Likely pathogenic. Review status: criteria provided, multiple submitters, no conflicts (2 of 4 stars). 3 submissions from 3 submitters: Pathogenic (2); Likely pathogenic (1). Last evaluated 2024-03-01.

Conditions:
Primary dilated cardiomyopathy (DCM). Also called: Dilated Cardiomyopathy. Identifiers: Orphanet 217604, MedGen C0007193, MeSH D002311, MONDO:0005021, HP:0001644. Inheritance: Various modes of inheritance.
Dilated cardiomyopathy 1G (CMD1G). Identifiers: Orphanet 154, MedGen C1858763, MONDO:0011400, OMIM 604145.
Autosomal recessive limb-girdle muscular dystrophy type 2J (LGMDR10). Also called: MUSCULAR DYSTROPHY, LIMB-GIRDLE, AUTOSOMAL RECESSIVE 10; Limb-girdle muscular dystrophy, type 2J. Identifiers: Orphanet 140922, MedGen C1837342, MONDO:0012127, OMIM 608807.

Submissions (3):

Lildballe Lab, Aarhus University Hospital
Classification: Pathogenic for dilated cardiomyopathy. Last evaluated: 2024-03-01. Review status: criteria provided, single submitter. Criteria: ACMG Guidelines, 2015. Collection method: research. Allele origin: germline. Affected: yes.
Comment: PS4(m), PVS1(vs), PM2(sup)

Labcorp Genetics (formerly Invitae), Labcorp
Classification: Likely pathogenic for Dilated cardiomyopathy 1G; Autosomal recessive limb-girdle muscular dystrophy type 2J. Last evaluated: 2023-05-17. Review status: criteria provided, single submitter. Criteria: Invitae Variant Classification Sherloc (09022015). Collection method: clinical testing. Allele origin: germline.
Comment: In summary, the currently available evidence indicates that the variant is pathogenic, but additional data are needed to prove that conclusively. Therefore, this variant has been classified as Likely Pathogenic. This variant is located in the A band of TTN (PMID: 25589632). Truncating variants in this region are significantly overrepresented in patients affected with dilated cardiomyopathy (PMID: 25589632). Truncating variants in this region have also been reported in individuals affected with autosomal recessive centronuclear myopathy (PMID: 23975875). This sequence change creates a premature translational stop signal (p.Phe16127Lysfs*20) in the TTN gene. While this is not anticipated to result in nonsense mediated decay, it is expected to create a truncated TTN protein. This variant is not present in population databases (gnomAD no frequency). This premature translational stop signal has been observed in individual(s) with dilated cardiomyopathy (PMID: 33106378). ClinVar contains an entry for this variant (Variation ID: 423289).

GeneDx
Classification: Pathogenic. Last evaluated: 2017-02-06. Review status: criteria provided, single submitter. Criteria: GeneDx Variant Classification (06012015). Collection method: clinical testing. Allele origin: germline. Affected: yes.
Comment: The c.43456_43459delTTTA pathogenic variant in the TTN gene has not been reported previously as a pathogenic variant or as a benign variant, to our knowledge. This variant causes a shift in reading frame starting at codon phenylalanine 14486, changing it to a lysine, and creating a premature stop codon at position 20 of the new reading frame, denoted p.Phe14486LysfsX20. This pathogenic variant is expected to result in either an abnormal, truncated protein product or loss of protein from this allele through nonsense-mediated mRNA decay. Other truncating TTN variants have been reported in approximately 3% of control alleles (Herman et al., 2012). However, the c.43456_43459delTTTA variant is located in the A-band region of titin, where the majority of truncating pathogenic variants associated with DCM have been reported (Herman et al., 2012). Finally, this variant is not observed in large population cohorts (Lek et al., 2016; 1000 Genomes Consortium et al., 2015; Exome Variant Server).

Literature cited by the submitters: PubMed 25741918 (cited by Lildballe Lab, Aarhus University Hospital); PubMed 39481677 (cited by Lildballe Lab, Aarhus University Hospital); PubMed 25589632 (cited by Labcorp Genetics (formerly Invitae), Labcorp); PubMed 23975875 (cited by Labcorp Genetics (formerly Invitae), Labcorp); PubMed 33106378 (cited by Labcorp Genetics (formerly Invitae), Labcorp).